The following is an entry in ClinVar:

NC_000023.10:g.(?_32235033)_(32398797_?)del

Gene: DMD (dystrophin; minus strand). Cytogenetic location: Xp21.1.
Variant type: Deletion.
Identifiers: ClinVar variation 1075733 (VCV001075733.8).

ClinVar aggregate classification (germline): Pathogenic (1 of 4 stars; one submission).

Conditions:
Duchenne muscular dystrophy (DMD). Also called: MUSCULAR DYSTROPHY, PSEUDOHYPERTROPHIC PROGRESSIVE, DUCHENNE TYPE; Duchenne Muscular Dystrophy (DMD). Identifiers: Orphanet 98896, MedGen C0013264, MONDO:0010679, OMIM 310200.

Submission:

Labcorp Genetics (formerly Invitae), Labcorp
Classification: Pathogenic for Duchenne muscular dystrophy. Last evaluated: 2020-01-07. Review status: criteria provided, single submitter. Criteria: Invitae Variant Classification Sherloc (09022015). Collection method: clinical testing. Allele origin: germline.
Comment: For these reasons, this variant has been classified as Pathogenic. The region of the DMD gene that includes exon(s) 43-44 has been determined to be clinically significant (PMID: 17259292, 1864612). Therefore, deletions that encompass that region are likely to disrupt protein function and cause disease. This variant has been observed in individual(s) with Duchenne muscular dystrophy (PMID: 21515508). This variant is an in-frame deletion of the genomic region encompassing exons 34-44 of the DMD gene. It preserves the integrity of the reading frame.

Literature cited by the submitters: PubMed 17259292; PubMed 1864612; PubMed 21515508.